The following is an entry in ClinVar:

ClinVar aggregate classification (germline): Pathogenic (1 of 4 stars; one submission).

Conditions:
Oculocerebrofacial syndrome, Kaufman type. Also called: Blepharophimosis-ptosis-intellectual disability syndrome. Identifiers: Orphanet 2707, MedGen C1855663, MONDO:0009485, OMIM 244450.

Submission:

3billion
Classification: Pathogenic for Oculocerebrofacial syndrome, Kaufman type. Review status: criteria provided, single submitter. Criteria: ACMG Guidelines, 2015. Collection method: clinical testing. Allele origin: unknown. Affected: yes. Observed: 1 homozygote.
Comment: The homozygous variant is not observed in the gnomAD v2.1.1 dataset. It is a frameshift v ariant predicted to result in a loss or disruption of normal protein function through nonsense-mediated decay (NMD) or protein truncation. Multiple pathogenic variants are reported downstream of the variant. Therefore, this variant is classified as pathogenic according to the recommendation of ACMG/AMP guideline.

NM_130466.4(UBE3B):c.739_742del (p.Asp247fs)

Gene: UBE3B (ubiquitin protein ligase E3B; plus strand). Cytogenetic location: 12q24.11.
Variant type: Deletion.
Coding change: c.739_742del on transcript NM_130466.4 (MANE Select); coding-DNA positions 739 to 742, 4 bases deleted (GACA; older notation c.739_742delGACA).
Protein change: p.Asp247fs; shifts the reading frame from aspartic acid 247.
Molecular consequence: frameshift variant.
Genome position (GRCh38, 1-based): chr12:109,497,843-109,497,846, GACA deleted; deleting any 4 consecutive bases within chr12:109,497,841-109,497,846 gives the same sequence; the c. name uses the placement nearest the transcript's 3' end. VCF-style (leftmost placement, unchanged base first): chr12-109497840-TCAGA-T. GRCh37 (hg19) VCF-style: chr12-109935645-TCAGA-T.
Other names: c.739_742del, p.Asp247fs (NM_183415.3); short protein forms D247fs.
Identifiers: ClinVar variation 2572570 (VCV002572570.1), dbSNP rs1878434294, ClinGen allele CA2062425538.
Genomic context (GRCh38, chr12:109,497,840, plus strand): 5'-GGAGACCTGTCTGAATGAGTGGATCTATCTGTGTCTAGCCCTGTGATTGCTGCACAGTTC[TCAGA>T]CAATCTGATTCGGCCGTTCCTCATCCACATCATGTCTGTGCCTGCTCTGGTGACTCATCT-3'